The following is an entry in ClinVar:

ClinVar aggregate classification (germline): Uncertain significance (1 of 4 stars; one submission).

Submission:

Labcorp Genetics (formerly Invitae), Labcorp
Classification: Uncertain significance. Last evaluated: 2023-09-27. Review status: criteria provided, single submitter. Criteria: Invitae Variant Classification Sherloc (09022015). Collection method: clinical testing. Allele origin: germline.
Comment: In summary, the available evidence is currently insufficient to determine the role of this variant in disease. Therefore, it has been classified as a Variant of Uncertain Significance. Algorithms developed to predict the effect of sequence changes on RNA splicing suggest that this variant may create or strengthen a splice site. An algorithm developed to predict the effect of missense changes on protein structure and function (PolyPhen-2) suggests that this variant is likely to be disruptive. This variant has not been reported in the literature in individuals affected with CLCN5-related conditions. This variant is not present in population databases (gnomAD no frequency). This sequence change replaces alanine, which is neutral and non-polar, with threonine, which is neutral and polar, at codon 46 of the CLCN5 protein (p.Ala46Thr).

NM_001127898.4(CLCN5):c.346G>A (p.Ala116Thr)

Gene: CLCN5 (chloride voltage-gated channel 5; plus strand). Cytogenetic location: Xp11.23.
Variant type: single nucleotide variant.
Coding change: c.346G>A on transcript NM_001127898.4 (MANE Select); coding-DNA position 346, G replaced by A.
Protein change: p.Ala116Thr; replaces alanine 116 with threonine.
Molecular consequence: missense variant.
Genome position (GRCh38, 1-based): chrX:50,072,519, G>A. VCF-style: chrX-50072519-G-A. GRCh37 (hg19) VCF-style: chrX-49837174-G-A.
Other names: c.136G>A, p.Ala46Thr (NM_000084.5); c.346G>A, p.Ala116Thr (NM_001127899.4); c.196G>A, p.Ala66Thr (NM_001282163.2); short protein forms A66T, A46T, A116T.
Identifiers: ClinVar variation 2763747 (VCV002763747.3), dbSNP rs2519401585, ClinGen allele CA413182273.